The following is an entry in ClinVar:

ClinVar aggregate classification (germline): Uncertain significance. Review status: criteria provided, single submitter (1 of 4 stars). 3 submissions from 3 submitters: Uncertain significance (1). 2 of the submissions do not count toward it. Last evaluated 2024-08-11.

Conditions:
Arrhythmogenic cardiomyopathy with wooly hair and keratoderma. Also called: Carvajal syndrome; Dilated cardiomyopathy with woolly hair and keratoderma; PALMOPLANTAR KERATODERMA WITH LEFT VENTRICULAR CARDIOMYOPATHY AND WOOLLY HAIR; Arrhythmogenic cardiomyopathy with woolly hair and keratoderma. Identifiers: Orphanet 65282, MedGen C1854063, MONDO:0011581, OMIM 605676.
Arrhythmogenic right ventricular dysplasia 8 (ARVD8). Also called: Arrhythmogenic Right Ventricular Dysplasia/Cardiomyopathy 8; ARRHYTHMOGENIC RIGHT VENTRICULAR DYSPLASIA, FAMILIAL, 8; ARRHYTHMOGENIC RIGHT VENTRICULAR CARDIOMYOPATHY 8. Identifiers: MedGen C1843896, MONDO:0011831, OMIM 607450.

gnomAD v4.1: 5 of 1,614,128 alleles (0.00031%); highest among the groups gnomAD compares: Non-Finnish European, 0.00042%; no homozygotes.

Submissions (3):

Labcorp Genetics (formerly Invitae), Labcorp
Classification: Uncertain significance for Arrhythmogenic cardiomyopathy with wooly hair and keratoderma; Arrhythmogenic right ventricular dysplasia 8. Last evaluated: 2024-08-11. Review status: criteria provided, single submitter. Criteria: Invitae Variant Classification Sherloc (09022015). Collection method: clinical testing. Allele origin: germline.
Comment: This sequence change replaces serine, which is neutral and polar, with tryptophan, which is neutral and slightly polar, at codon 1049 of the DSP protein (p.Ser1049Trp). This variant is present in population databases (rs751361395, gnomAD 0.0009%). This missense change has been observed in individual(s) with dilated cardiomyopathy (PMID: 32880476). ClinVar contains an entry for this variant (Variation ID: 1285136). An algorithm developed to predict the effect of missense changes on protein structure and function (PolyPhen-2) suggests that this variant is likely to be disruptive. In summary, the available evidence is currently insufficient to determine the role of this variant in disease. Therefore, it has been classified as a Variant of Uncertain Significance.

Genome Diagnostics Laboratory, University Medical Center Utrecht
Classification: Uncertain significance. Review status: no assertion criteria provided. Collection method: clinical testing. Allele origin: germline. Affected: yes. Study: VKGL Data-share Consensus. Not counted in ClinVar's aggregate classification.

Joint Genome Diagnostic Labs from Nijmegen and Maastricht, Radboudumc and MUMC+
Classification: Uncertain significance. Review status: no assertion criteria provided. Collection method: clinical testing. Allele origin: germline. Affected: yes. Study: VKGL Data-share Consensus. Not counted in ClinVar's aggregate classification.

Literature cited by the submitters: PubMed 32880476 (cited by Labcorp Genetics (formerly Invitae), Labcorp).

NM_004415.4(DSP):c.3146C>G (p.Ser1049Trp)

Gene: DSP (desmoplakin; plus strand). Cytogenetic location: 6p24.3.
Variant type: single nucleotide variant.
Coding change: c.3146C>G on transcript NM_004415.4 (MANE Select); coding-DNA position 3146, C replaced by G.
Protein change: p.Ser1049Trp; replaces serine 1049 with tryptophan.
Molecular consequence: missense variant.
Genome position (GRCh38, 1-based): chr6:7,579,336, C>G. VCF-style: chr6-7579336-C-G. GRCh37 (hg19) VCF-style: chr6-7579569-C-G.
Other names: c.3146C>G, p.Ser1049Trp (NM_001008844.3, NM_001319034.2); short protein forms S1049W.
Identifiers: ClinVar variation 1285136 (VCV001285136.5), dbSNP rs751361395, ClinGen allele CA037279.